The following is an entry in ClinVar:

NM_000146.4(FTL):c.370_373del (p.Pro124fs)

Gene: FTL (ferritin light chain; plus strand). Cytogenetic location: 19q13.33.
Variant type: Deletion.
Coding change: c.370_373del on transcript NM_000146.4 (MANE Select); coding-DNA positions 370 to 373, 4 bases deleted (CCCC; older notation c.370_373delCCCC).
Protein change: p.Pro124fs; shifts the reading frame from proline 124.
Molecular consequence: frameshift variant.
Genome position (GRCh38, 1-based): chr19:48,966,401-48,966,404, CCCC deleted; deleting any 4 consecutive bases within chr19:48,966,400-48,966,404 gives the same sequence; the c. name uses the placement nearest the transcript's 3' end. VCF-style (leftmost placement, unchanged base first): chr19-48966399-ACCCC-A. GRCh37 (hg19) VCF-style: chr19-49469656-ACCCC-A.
Other names: short protein forms P124fs.
Identifiers: ClinVar variation 450423 (VCV000450423.2), dbSNP rs1555797129, ClinGen allele CA658658825.

ClinVar aggregate classification (germline): Likely pathogenic (1 of 4 stars; one submission).

Submission:

GeneDx
Classification: Likely pathogenic. Last evaluated: 2017-07-18. Review status: criteria provided, single submitter. Criteria: GeneDx Variant Classification (06012015). Collection method: clinical testing. Allele origin: germline. Affected: yes.
Comment: The c.370_373delCCCC variant in the FTL gene has not been reported previously as a pathogenic variant nor as a benign variant, to our knowledge. The c.370_373delCCCC variant causes a frameshift starting with codon Proline 124, changes this amino acid to an Isoleucine residue, and creates a premature Stop codon at position 11 of the new reading frame, denoted p.Pro124IlefsX11. This variant is predicted to cause loss of normal protein function through protein truncation. The c.370_373delCCCC variant is not observed in large population cohorts (Lek et al., 2016; 1000 Genomes Consortium et al., 2015; Exome Variant Server). We interpret c.370_373delCCCC as a likely pathogenic variant.